The following is an entry in ClinVar:

NM_004360.5(CDH1):c.48+6_48+7delinsTG

Gene: CDH1 (cadherin 1; plus strand). Cytogenetic location: 16q22.1.
Variant type: Indel.
Coding change: c.48+6_48+7delinsTG on transcript NM_004360.5 (MANE Select); bases 6 to 7 of the intron after coding-DNA position 48, CC replaced by TG.
Molecular consequence: intron variant.
Genome position (GRCh38, 1-based): chr16:68,737,469-68,737,470, CC replaced by TG. VCF-style: chr16-68737469-CC-TG. GRCh37 (hg19) VCF-style: chr16-68771372-CC-TG.
Other names: c.-1568+6_-1568+7delinsTG (NM_001317185.2); c.-1772+6_-1772+7delinsTG (NM_001317186.2); c.48+6_48+7delinsTG (NM_001317184.2).
Identifiers: ClinVar variation 922365 (VCV000922365.7), dbSNP rs786200947, ClinGen allele CA913188714.

ClinVar aggregate classification (germline): Conflicting classifications of pathogenicity. Review status: criteria provided, conflicting classifications (1 of 4 stars). 3 submissions from 3 submitters: Uncertain significance (2); Likely benign (1). Last evaluated 2025-06-17.

Conditions:
Hereditary cancer-predisposing syndrome. Also called: Hereditary Cancer Syndrome; Hereditary neoplastic syndrome; Neoplastic Syndromes, Hereditary; Tumor predisposition. Identifiers: Orphanet 140162, MedGen C0027672, MeSH D009386, MONDO:0015356.
Hereditary diffuse gastric adenocarcinoma (HDGC). Also called: DIFFUSE GASTRIC AND LOBULAR BREAST CANCER SYNDROME. Identifiers: Orphanet 26106, MedGen C1708349, MONDO:0007648, OMIM 137215.

Submissions (3):

Color Diagnostics, LLC DBA Color Health
Classification: Uncertain significance for Hereditary cancer-predisposing syndrome. Last evaluated: 2025-06-17. Review status: criteria provided, single submitter. Criteria: ACMG Guidelines, 2015. Collection method: clinical testing. Allele origin: germline.
Comment: This variant causes substitution of two consecutive nucleotides at +6 and +7 positions in intron 1 of the CDH1 gene. To our knowledge, functional studies have not been reported for this variant. This variant has not been reported in individuals affected with CDH1-related disorders in the literature. This variant has not been identified in the general population by the Genome Aggregation Database (gnomAD). The available evidence is insufficient to determine the role of this variant in disease conclusively. Therefore, this variant is classified as a Variant of Uncertain Significance.

Myriad Genetics, Inc.
Classification: Likely benign for Hereditary diffuse gastric adenocarcinoma. Last evaluated: 2024-09-10. Review status: criteria provided, single submitter. Criteria: Myriad Autosomal Dominant, Autosomal Recessive and X-Linked Classification Criteria (2023). Collection method: clinical testing. Allele origin: unknown.
Comment: This variant is considered likely benign. This variant is intronic and is not expected to impact mRNA splicing.

Labcorp Genetics (formerly Invitae), Labcorp
Classification: Uncertain significance for Hereditary diffuse gastric adenocarcinoma. Last evaluated: 2023-06-04. Review status: criteria provided, single submitter. Criteria: Invitae Variant Classification Sherloc (09022015). Collection method: clinical testing. Allele origin: germline.
Comment: Information on the frequency of this variant in the gnomAD database is not available, as this variant may be reported differently in the database. This variant has not been reported in the literature in individuals affected with CDH1-related conditions. In summary, the available evidence is currently insufficient to determine the role of this variant in disease. Therefore, it has been classified as a Variant of Uncertain Significance. Variants that disrupt the consensus splice site are a relatively common cause of aberrant splicing (PMID: 17576681, 9536098). ClinVar contains an entry for this variant (Variation ID: 922365). This sequence change falls in intron 1 of the CDH1 gene. It does not directly change the encoded amino acid sequence of the CDH1 protein. It affects a nucleotide within the consensus splice site.

Literature cited by the submitters: PubMed 17576681 (cited by Labcorp Genetics (formerly Invitae), Labcorp); PubMed 9536098 (cited by Labcorp Genetics (formerly Invitae), Labcorp).